The following is an entry in ClinVar:

ClinVar aggregate classification (germline): Uncertain significance (1 of 4 stars; one submission).

gnomAD v4.1: 1 of 1,613,388 alleles (0.000062%); highest among the groups gnomAD compares: Admixed American, 0.0017%; no homozygotes.

Submission:

Labcorp Genetics (formerly Invitae), Labcorp
Classification: Uncertain significance. Last evaluated: 2024-07-01. Review status: criteria provided, single submitter. Criteria: Invitae Variant Classification Sherloc (09022015). Collection method: clinical testing. Allele origin: germline.
Comment: This sequence change replaces leucine, which is neutral and non-polar, with phenylalanine, which is neutral and non-polar, at codon 1750 of the RTTN protein (p.Leu1750Phe). This variant is present in population databases (no rsID available, gnomAD 0.003%). This variant has not been reported in the literature in individuals affected with RTTN-related conditions. Advanced modeling of protein sequence and biophysical properties (such as structural, functional, and spatial information, amino acid conservation, physicochemical variation, residue mobility, and thermodynamic stability) performed at Invitae indicates that this missense variant is not expected to disrupt RTTN protein function with a negative predictive value of 80%. In summary, the available evidence is currently insufficient to determine the role of this variant in disease. Therefore, it has been classified as a Variant of Uncertain Significance.

NM_173630.4(RTTN):c.5248C>T (p.Leu1750Phe)

Gene: RTTN (rotatin; minus strand). Cytogenetic location: 18q22.2.
Variant type: single nucleotide variant.
Coding change: c.5248C>T on transcript NM_173630.4 (MANE Select); coding-DNA position 5248, C replaced by T.
Protein change: p.Leu1750Phe; replaces leucine 1750 with phenylalanine.
Molecular consequence: missense variant.
Genome position (GRCh38, 1-based): chr18:70,051,486, G>A on the plus strand (C>T on the coding strand, the complement: RTTN is on the minus strand). VCF-style: chr18-70051486-G-A. GRCh37 (hg19) VCF-style: chr18-67718722-G-A.
Other names: c.2512C>T, p.Leu838Phe (NM_001318520.2); short protein forms L1750F, L838F.
Identifiers: ClinVar variation 3682565 (VCV003682565.2).
Genomic context (GRCh38, chr18:70,051,486, plus strand): 5'-AGTGCTTGGCCAGGGCCACGGTAACAAACGGGAGTGTGATGGCACCAGCTTTCCTCAGGA[G>A]CATGGCCAGAAGATTAAATAAATGTGTCCATGTGTGATAAAAAGCTGATATTAACTCTTT-3'
Protein context (NP_775901.3, residues 1740-1760): WTHLFNLLAM[Leu1750Phe]LRKAGAITLP